The following is an entry in ClinVar:

NM_004655.4(AXIN2):c.561C>T (p.Tyr187=)

Gene: AXIN2 (axin 2; minus strand). Cytogenetic location: 17q24.1.
Variant type: single nucleotide variant.
Coding change: c.561C>T on transcript NM_004655.4 (MANE Select); coding-DNA position 561, C replaced by T.
Protein change: p.Tyr187=; no amino-acid change (tyrosine 187 retained).
Molecular consequence: synonymous variant.
Genome position (GRCh38, 1-based): chr17:65,558,060, G>A on the plus strand (C>T on the coding strand, the complement: AXIN2 is on the minus strand). VCF-style: chr17-65558060-G-A. GRCh37 (hg19) VCF-style: chr17-63554178-G-A.
Other names: c.561C>T, p.Tyr187= (NM_001363813.1).
Identifiers: ClinVar variation 764465 (VCV000764465.14), dbSNP rs1598119451, ClinGen allele CA501691733.
Genomic context (GRCh38, chr17:65,558,060, plus strand): 5'-TGTGTTTTCTCCCCCACTCCTCACATATTCGAGGTATATATCAGAAGTCAAAAACATCTG[G>A]TAGGCATTTTCCTCCATCACCGACTGGATCTCGGTCTGCGCCTGGTCAAACATGATGGAA-3'
Protein context (NP_004646.3, residues 177-197): EIQSVMEENA[Tyr187=]QMFLTSDIYL

ClinVar aggregate classification (germline): Benign/Likely benign. Review status: criteria provided, multiple submitters, no conflicts (2 of 4 stars). 3 submissions from 3 submitters: Benign (1); Likely benign (2). Last evaluated 2025-07-13.

Conditions:
Hereditary cancer-predisposing syndrome. Also called: Tumor predisposition; Neoplastic Syndromes, Hereditary; Hereditary Cancer Syndrome; Hereditary neoplastic syndrome. Identifiers: Orphanet 140162, MedGen C0027672, MeSH D009386, MONDO:0015356.
Oligodontia-cancer predisposition syndrome. Also called: TOOTH AGENESIS-COLORECTAL CANCER SYNDROME. Identifiers: Orphanet 300576, MedGen C1837750, MONDO:0012075, OMIM 608615. Disease mechanism: loss of function.

Allele frequency attached by ClinVar (database versions not stated): gnomAD exomes below 0.00001.
gnomAD v4.1: 4 of 1,614,000 alleles (0.00025%); highest among the groups gnomAD compares: Non-Finnish European, 0.00034%; no homozygotes.

Submissions (3):

Labcorp Genetics (formerly Invitae), Labcorp
Classification: Likely benign for Oligodontia-cancer predisposition syndrome. Last evaluated: 2025-07-13. Review status: criteria provided, single submitter. Criteria: Invitae Variant Classification Sherloc (09022015). Collection method: clinical testing. Allele origin: germline.

Myriad Genetics, Inc.
Classification: Benign for Oligodontia-cancer predisposition syndrome. Last evaluated: 2024-06-27. Review status: criteria provided, single submitter. Criteria: Myriad Autosomal Dominant, Autosomal Recessive and X-Linked Classification Criteria (2023). Collection method: clinical testing. Allele origin: unknown.
Comment: This variant is considered benign. This variant is a silent/synonymous amino acid change and it is not expected to impact splicing.

Ambry Genetics
Classification: Likely benign for Hereditary cancer-predisposing syndrome. Last evaluated: 2021-04-30. Review status: criteria provided, single submitter. Criteria: Ambry Variant Classification Scheme 2023. Collection method: clinical testing. Allele origin: germline.